The following is an entry in ClinVar:

NM_005911.6(MAT2A):c.988_991del (p.Ile330fs)

Genes: GGCX (gamma-glutamyl carboxylase; minus strand), MAT2A (methionine adenosyltransferase 2A; plus strand). Cytogenetic location: 2p11.2.
Variant type: Microsatellite.
Coding change: c.988_991del on transcript NM_005911.6 (MANE Select); coding-DNA positions 988 to 991, 4 bases deleted (ATCT; older notation c.988_991delATCT).
Protein change: p.Ile330fs; shifts the reading frame from isoleucine 330.
Molecular consequence: frameshift variant.
Genome position (GRCh38, 1-based): chr2:85,542,937-85,542,940, ATCT deleted; deleting any 4 consecutive bases within chr2:85,542,932-85,542,940 gives the same sequence; the c. name uses the placement nearest the transcript's 3' end. VCF-style (leftmost placement, unchanged base first): chr2-85542931-TTATC-T. GRCh37 (hg19) VCF-style: chr2-85770054-TTATC-T.
Other names: short protein forms I330fs.
Identifiers: ClinVar variation 3728637 (VCV003728637.2).

ClinVar aggregate classification (germline): Uncertain significance (1 of 4 stars; one submission).

Conditions:
Familial thoracic aortic aneurysm and aortic dissection (TAAD). Also called: Thoracic aortic aneurysms and dissections. Identifiers: Orphanet 91387, MedGen C4707243, MONDO:0019625.

Submission:

Labcorp Genetics (formerly Invitae), Labcorp
Classification: Uncertain significance for Familial thoracic aortic aneurysm and aortic dissection. Last evaluated: 2025-01-07. Review status: criteria provided, single submitter. Criteria: Invitae Variant Classification Sherloc (09022015). Collection method: clinical testing. Allele origin: germline.
Comment: This sequence change creates a premature translational stop signal (p.Ile330Profs*16) in the MAT2A gene. It is expected to result in an absent or disrupted protein product. However, the current clinical and genetic evidence is not sufficient to establish whether loss-of-function variants in MAT2A cause disease. This variant is not present in population databases (gnomAD no frequency). This variant has not been reported in the literature in individuals affected with MAT2A-related conditions. In summary, the available evidence is currently insufficient to determine the role of this variant in disease. Therefore, it has been classified as a Variant of Uncertain Significance.